The following is an entry in ClinVar:

NM_000059.4(BRCA2):c.6841+3A>C

Gene: BRCA2 (BRCA2 DNA repair associated; plus strand). Cytogenetic location: 13q13.1.
Variant type: single nucleotide variant.
Coding change: c.6841+3A>C on transcript NM_000059.4 (MANE Select); 3 bases into the intron after coding-DNA position 6841, A replaced by C.
Molecular consequence: intron variant.
Genome position (GRCh38, 1-based): chr13:32,341,199, A>C. VCF-style: chr13-32341199-A-C. GRCh37 (hg19) VCF-style: chr13-32915336-A-C.
Identifiers: ClinVar variation 481177 (VCV000481177.6), dbSNP rs81002825, ClinGen allele CA658656373.

ClinVar aggregate classification (germline): Uncertain significance (1 of 4 stars; one submission).

Conditions:
Hereditary cancer-predisposing syndrome. Also called: Tumor predisposition; Hereditary Cancer Syndrome; Neoplastic Syndromes, Hereditary; Hereditary neoplastic syndrome. Identifiers: Orphanet 140162, MedGen C0027672, MeSH D009386, MONDO:0015356.

Allele frequency attached by ClinVar (database versions not stated): TOPMed below 0.00001.

Submission:

Ambry Genetics
Classification: Uncertain significance for Hereditary cancer-predisposing syndrome. Last evaluated: 2026-02-09. Review status: criteria provided, single submitter. Criteria: Ambry Variant Classification Scheme 2023. Collection method: clinical testing. Allele origin: germline.
Comment: The c.6841+3A>C intronic variant results from an A to C substitution 3 nucleotides after coding exon 10 in the BRCA2 gene. This nucleotide position is well conserved in available vertebrate species. In silico splice site analysis predicts that this alteration may weaken the native splice donor site. Based on the available evidence, the clinical significance of this variant remains unclear.